The following is an entry in ClinVar:

ClinVar aggregate classification (germline): Uncertain significance (1 of 4 stars; one submission).

Conditions:
Cardiovascular phenotype. Identifiers: MedGen CN230736.

Allele frequency attached by ClinVar (database versions not stated): TOPMed below 0.00001.

Submission:

Ambry Genetics
Classification: Uncertain significance for Cardiovascular phenotype. Last evaluated: 2021-06-23. Review status: criteria provided, single submitter. Criteria: Ambry Variant Classification Scheme 2023. Collection method: clinical testing. Allele origin: germline.
Comment: The p.D2594N variant (also known as c.7780G>A), located in coding exon 2 of the ZNF469 gene, results from a G to A substitution at nucleotide position 7780. The aspartic acid at codon 2594 is replaced by asparagine, an amino acid with highly similar properties. This amino acid position is conserved. In addition, this alteration is predicted to be tolerated by in silico analysis. Since supporting evidence is limited at this time, the clinical significance of this alteration remains unclear.

NM_001367624.2(ZNF469):c.7864G>A (p.Asp2622Asn)

Gene: ZNF469 (zinc finger protein 469; plus strand). Cytogenetic location: 16q24.2.
Variant type: single nucleotide variant.
Coding change: c.7864G>A on transcript NM_001367624.2 (MANE Select); coding-DNA position 7864, G replaced by A.
Protein change: p.Asp2622Asn; replaces aspartic acid 2622 with asparagine.
Molecular consequence: missense variant.
Genome position (GRCh38, 1-based): chr16:88,435,334, G>A. VCF-style: chr16-88435334-G-A. GRCh37 (hg19) VCF-style: chr16-88501742-G-A.
Other names: NM_001127464.1:c.7780G>A; short protein forms D2622N.
Identifiers: ClinVar variation 1760605 (VCV001760605.2), dbSNP rs1416535013, ClinGen allele CA397115152.
Genomic context (GRCh38, chr16:88,435,334, plus strand): 5'-CTGCATCCCAAACAGGCAGAAAAAAGAGAAGGCCGGAGGTGGCGCCGAGAGCCCACCGTG[G>A]ACTCTCCTAGCCACTCAGAGGGGAAGTCAAATAAGAAAAGGGGAAAGCTGAGAGGGAGAA-3'
Protein context (NP_001354553.1, residues 2612-2632): GRRWRREPTV[Asp2622Asn]SPSHSEGKSN